The following is an entry in ClinVar:

NM_001142864.4(PIEZO1):c.283+9C>G

Gene: PIEZO1 (piezo type mechanosensitive ion channel component 1 (Er blood group); minus strand). Cytogenetic location: 16q24.3.
Variant type: single nucleotide variant.
Coding change: c.283+9C>G on transcript NM_001142864.4 (MANE Select); 9 bases into the intron after coding-DNA position 283, C replaced by G.
Molecular consequence: intron variant.
Genome position (GRCh38, 1-based): chr16:88,742,291, G>C on the plus strand (C>G on the coding strand, the complement: PIEZO1 is on the minus strand). VCF-style: chr16-88742291-G-C. GRCh37 (hg19) VCF-style: chr16-88808699-G-C.
Identifiers: ClinVar variation 4995383 (VCV004995383.1).
Genomic context (GRCh38, chr16:88,742,291, plus strand): 5'-GGGTCACTGCAGGGCCCTCTCCCTGACCCCCAGGATGGCTATCCCTACCCCGCCCCCTCA[G>C]CGACTCACAGCTGGGTCCCAGGAGCTGGTCCAGGCGGGGCACAATATGCAGGCAGATCTG-3'

ClinVar aggregate classification (germline): Uncertain significance (1 of 4 stars; one submission).

Conditions:
PIEZO1-related disorder. Also called: PIEZO1-Related Disorders; PIEZO1-related condition.

gnomAD v4.1: 6 of 1,529,834 alleles (0.00039%); highest among the groups gnomAD compares: Non-Finnish European, 0.00052%; no homozygotes.

Submission:

PreventionGenetics, part of Exact Sciences
Classification: Uncertain significance for PIEZO1-related condition. Last evaluated: 2026-01-13. Review status: criteria provided, single submitter. Criteria: ACMG Guidelines, 2015. Collection method: clinical testing. Allele origin: germline.
Comment: The PIEZO1 c.283+9C>G variant is predicted to interfere with splicing. This variant is predicted to alter splicing based on available splicing prediction programs (SpliceAI, Jaganathan et al. 2019. PubMed ID: 30661751). However, the use of computer prediction programs is not equivalent to functional evidence. To our knowledge, this variant has not been reported in the literature or in a large population database (gnomAD), indicating this variant is rare. At this time, the clinical significance of this variant is uncertain due to the absence of conclusive functional and genetic evidence.